The following is an entry in ClinVar:

NM_152649.4(MLKL):c.565C>T (p.Pro189Ser)

Gene: MLKL (mixed lineage kinase domain like pseudokinase; minus strand). Cytogenetic location: 16q23.1.
Variant type: single nucleotide variant.
Coding change: c.565C>T on transcript NM_152649.4 (MANE Select); coding-DNA position 565, C replaced by T.
Protein change: p.Pro189Ser; replaces proline 189 with serine.
Molecular consequence: missense variant. On other transcripts: intron variant (1).
Genome position (GRCh38, 1-based): chr16:74,691,434, G>A on the plus strand (C>T on the coding strand, the complement: MLKL is on the minus strand). VCF-style: chr16-74691434-G-A. GRCh37 (hg19) VCF-style: chr16-74725332-G-A.
Other names: c.565C>T (NM_152649.2); c.535+908C>T (NM_001142497.3); short protein forms P189S.
Identifiers: ClinVar variation 1703036 (VCV001703036.3), dbSNP rs1186283623, ClinGen allele CA396766788.

ClinVar aggregate classification (germline): Conflicting classifications of pathogenicity. Review status: criteria provided, conflicting classifications (1 of 4 stars). 2 submissions from 2 submitters: Uncertain significance (1); Likely benign (1). Last evaluated 2025-03-07.

Conditions:
Biotinidase deficiency. Also called: BTD deficiency; Late-onset biotin-responsive multiple carboxylase deficiency; Biotin deficiency. Identifiers: Orphanet 79241, MedGen C0220754, MONDO:0009665, OMIM 253260.

gnomAD v4.1: 1 of 1,613,780 alleles (0.000062%); highest among the groups gnomAD compares: Non-Finnish European, 0.000085%; no homozygotes.

Submissions (2):

Ambry Genetics
Classification: Uncertain significance. Last evaluated: 2025-03-07. Review status: criteria provided, single submitter. Criteria: Ambry Variant Classification Scheme 2023. Collection method: clinical testing. Allele origin: germline.

Sidra Medicine
Classification: Likely benign for Biotinidase deficiency. Last evaluated: 2022-08-26. Review status: criteria provided, single submitter. Criteria: ACMG Guidelines, 2015. Collection method: research. Allele origin: biparental. Affected: no. Observed: 1 homozygote.